The following is an entry in ClinVar:

NM_139027.6(ADAMTS13):c.2552A>G (p.Glu851Gly)

Gene: ADAMTS13 (ADAM metallopeptidase with thrombospondin type 1 motif 13; plus strand). Cytogenetic location: 9q34.2.
Variant type: single nucleotide variant.
Coding change: c.2552A>G on transcript NM_139027.6 (MANE Select); coding-DNA position 2552, A replaced by G.
Protein change: p.Glu851Gly; replaces glutamic acid 851 with glycine.
Molecular consequence: missense variant. On other transcripts: non-coding transcript variant (1).
Genome position (GRCh38, 1-based): chr9:133,444,994, A>G. VCF-style: chr9-133444994-A-G. GRCh37 (hg19) VCF-style: chr9-136310115-A-G.
Other names: p.Glu851Gly; c.2552A>G, p.Glu851Gly (NM_139025.5); c.2459A>G, p.Glu820Gly (NM_139026.6); short protein forms E820G, E851G.
Identifiers: ClinVar variation 3379927 (VCV003379927.1).

ClinVar aggregate classification (germline): Uncertain significance (1 of 4 stars; one submission).

gnomAD v4.1: 1 of 1,613,490 alleles (0.000062%); highest among the groups gnomAD compares: African/African-American, 0.0013%; no homozygotes.

Submission:

Mayo Clinic Laboratories, Mayo Clinic
Classification: Uncertain significance. Last evaluated: 2024-09-13. Review status: criteria provided, single submitter. Criteria: ACMG Guidelines, 2015. Collection method: clinical testing. Allele origin: germline. Observed: 1 variant allele.
Comment: BP4, PM2